The following is an entry in ClinVar:

NM_004656.4(BAP1):c.1271G>A (p.Gly424Glu)

Gene: BAP1 (BRCA1 associated deubiquitinase 1; minus strand). Cytogenetic location: 3p21.1.
Variant type: single nucleotide variant.
Coding change: c.1271G>A on transcript NM_004656.4 (MANE Select); coding-DNA position 1271, G replaced by A.
Protein change: p.Gly424Glu; replaces glycine 424 with glutamic acid.
Molecular consequence: missense variant.
Genome position (GRCh38, 1-based): chr3:52,403,874, C>T on the plus strand (G>A on the coding strand, the complement: BAP1 is on the minus strand). VCF-style: chr3-52403874-C-T. GRCh37 (hg19) VCF-style: chr3-52437890-C-T.
Other names: c.1217G>A, p.Gly406Glu (NM_001410772.1); short protein forms G424E, G406E.
Identifiers: ClinVar variation 2156960 (VCV002156960.8), dbSNP rs1437648704, ClinGen allele CA353102429.

ClinVar aggregate classification (germline): Uncertain significance. Review status: criteria provided, multiple submitters, no conflicts (2 of 4 stars). 4 submissions from 4 submitters: Uncertain significance (4). Last evaluated 2024-10-28.

Conditions:
BAP1-related tumor predisposition syndrome (TPDS1). Also called: COMMON Syndrome; Tumor susceptibility linked to germline BAP1 mutations; BAP1 tumor predisposition syndrome; TUMOR PREDISPOSITION SYNDROME 1. Identifiers: Orphanet 289539, MedGen C3280492, MONDO:0013692, OMIM 614327.
Kury-Isidor syndrome (KURIS). Identifiers: MedGen C5676925, MONDO:0859230, OMIM 619762.
Melanoma, uveal, susceptibility to, 2 (UVM2). Also called: Melanoma, uveal 2. Identifiers: Orphanet 39044, MedGen C1847723, MONDO:0011696, OMIM 606661.
Hereditary cancer-predisposing syndrome. Also called: Neoplastic Syndromes, Hereditary; Tumor predisposition; Hereditary Cancer Syndrome; Hereditary neoplastic syndrome. Identifiers: Orphanet 140162, MedGen C0027672, MeSH D009386, MONDO:0015356.

Allele frequency attached by ClinVar (database versions not stated): gnomAD exomes below 0.00001; TOPMed below 0.00001.
gnomAD v4.1: 2 of 1,614,086 alleles (0.00012%); highest among the groups gnomAD compares: South Asian, 0.0011%; no homozygotes.

Submissions (4):

Ambry Genetics
Classification: Uncertain significance for Hereditary cancer-predisposing syndrome. Last evaluated: 2024-10-28. Review status: criteria provided, single submitter. Criteria: Ambry Variant Classification Scheme 2023. Collection method: clinical testing. Allele origin: germline.
Comment: The p.G424E variant (also known as c.1271G>A), located in coding exon 13 of the BAP1 gene, results from a G to A substitution at nucleotide position 1271. The glycine at codon 424 is replaced by glutamic acid, an amino acid with similar properties. This amino acid position is conserved. In addition, this alteration is predicted to be tolerated by in silico analysis. Based on the available evidence, the clinical significance of this variant remains unclear.

Fulgent Genetics
Classification: Uncertain significance for Melanoma, uveal, susceptibility to, 2; BAP1-related tumor predisposition syndrome; Kury-Isidor syndrome. Last evaluated: 2024-02-28. Review status: criteria provided, single submitter. Criteria: ACMG Guidelines, 2015. Collection method: clinical testing. Allele origin: germline.

Labcorp Genetics (formerly Invitae), Labcorp
Classification: Uncertain significance for BAP1-related tumor predisposition syndrome. Last evaluated: 2022-12-25. Review status: criteria provided, single submitter. Criteria: Invitae Variant Classification Sherloc (09022015). Collection method: clinical testing. Allele origin: germline.
Comment: In summary, the available evidence is currently insufficient to determine the role of this variant in disease. Therefore, it has been classified as a Variant of Uncertain Significance. This variant is not present in population databases (gnomAD no frequency). Advanced modeling of protein sequence and biophysical properties (such as structural, functional, and spatial information, amino acid conservation, physicochemical variation, residue mobility, and thermodynamic stability) performed at Invitae indicates that this missense variant is not expected to disrupt BAP1 protein function. This variant has not been reported in the literature in individuals affected with BAP1-related conditions. This sequence change replaces glycine, which is neutral and non-polar, with glutamic acid, which is acidic and polar, at codon 424 of the BAP1 protein (p.Gly424Glu).

Blueprint Genetics
Classification: Uncertain significance. Last evaluated: 2022-07-20. Review status: criteria provided, single submitter. Criteria: ACMG Guidelines, 2015. Collection method: clinical testing. Allele origin: germline.